The following is an entry in ClinVar:

ClinVar aggregate classification (germline): Pathogenic. Review status: criteria provided, multiple submitters, no conflicts (2 of 4 stars). 5 submissions from 5 submitters: Pathogenic (4). 1 of the submissions does not count toward it. Last evaluated 2024-10-04.

Conditions:
Autosomal dominant spastic paraplegia type 9. Identifiers: MedGen C1832669, MONDO:0015091.
de Barsy syndrome. Also called: Cutis laxa-corneal clouding-oligophrenia syndrome. Identifiers: Orphanet 2962, MedGen C0268354, MONDO:0017569.
Cutis laxa, autosomal dominant 3 (ADCL3). Identifiers: Orphanet 90348, MedGen C4225268, MONDO:0014706, OMIM 616603.
ALDH18A1-related disorder. Also called: ALDH18A1-related disorders.
Hereditary spastic paraplegia 9A. Also called: SPASTIC PARAPLEGIA 9A, AUTOSOMAL DOMINANT; CATARACTS WITH MOTOR NEURONOPATHY, SHORT STATURE, AND SKELETAL ABNORMALITIES; SPASTIC PARAPARESIS WITH AMYOTROPHY, CATARACTS, AND GASTROESOPHAGEAL REFLUX. Identifiers: Orphanet 100990, Orphanet 447753, MedGen C5568978, MONDO:0011006, OMIM 601162.

Submissions (5):

Dubai Health Genomic Medicine Center, Dubai Health
Classification: Pathogenic for Spastic paraplegia 9A, autosomal dominant. Last evaluated: 2024-10-04. Review status: criteria provided, single submitter. Criteria: ACMG Guidelines, 2015. Collection method: research. Allele origin: germline. Affected: yes.
Comment: PS2,PM3(moderate),PM2,PP3

Labcorp Genetics (formerly Invitae), Labcorp
Classification: Pathogenic for Autosomal dominant spastic paraplegia type 9; de Barsy syndrome; Cutis laxa, autosomal dominant 3. Last evaluated: 2024-03-24. Review status: criteria provided, single submitter. Criteria: Invitae Variant Classification Sherloc (09022015). Collection method: clinical testing. Allele origin: germline.
Comment: This sequence change replaces arginine, which is basic and polar, with glutamine, which is neutral and polar, at codon 138 of the ALDH18A1 protein (p.Arg138Gln). This variant is not present in population databases (gnomAD no frequency). This missense change has been observed in individual(s) with autosomal dominant cutis laxa (PMID: 26320891, 26829900). In at least one individual the variant was observed to be de novo. ClinVar contains an entry for this variant (Variation ID: 217260). Advanced modeling of protein sequence and biophysical properties (such as structural, functional, and spatial information, amino acid conservation, physicochemical variation, residue mobility, and thermodynamic stability) has been performed at Invitae for this missense variant, however the output from this modeling did not meet the statistical confidence thresholds required to predict the impact of this variant on ALDH18A1 protein function. For these reasons, this variant has been classified as Pathogenic.

PreventionGenetics, part of Exact Sciences
Classification: Pathogenic for ALDH18A1-related condition. Last evaluated: 2023-05-16. Review status: criteria provided, single submitter. Criteria: ACMG Guidelines, 2015. Collection method: clinical testing. Allele origin: germline.
Comment: The ALDH18A1 c.413G>A variant is predicted to result in the amino acid substitution p.Arg138Gln. This variant was reported to be causative for autosomal dominant cutis laxa, with at least three cases reported to occur de novo (Fischer-Zirnsak et al. 2015. PubMed ID: 26320891; Nozaki et al. 2016. PubMed ID: 26829900; Grelet et al. 2019. PubMed ID: 31829210). This variant has not been reported in a large population database, indicating this variant is rare. Different nucleotide substitutions affecting the same amino acid (p.Arg138Trp and p.Arg138Leu) have been reported in individuals with autosomal dominant cutis laxa (Fischer-Zirnsak et al. 2015. PubMed ID: 26320891). Taken together, the c.413G>A (p.Arg138Gln) variant is interpreted as pathogenic.

GeneDx
Classification: Pathogenic. Last evaluated: 2022-12-21. Review status: criteria provided, single submitter. Criteria: GeneDx Variant Classification Process June 2021. Collection method: clinical testing. Allele origin: germline. Affected: yes.
Comment: In silico analysis supports that this missense variant has a deleterious effect on protein structure/function; Not observed at significant frequency in large population cohorts (gnomAD); This variant is associated with the following publications: (PMID: 32770108, 26829900, 31829210, 26320891)

OMIM
Classification: Pathogenic for CUTIS LAXA, AUTOSOMAL DOMINANT 3. Last evaluated: 2015-09-03. Review status: no assertion criteria provided. Collection method: literature only. Allele origin: germline. Not counted in ClinVar's aggregate classification.

Literature cited by the submitters: PubMed 26320891 (cited by Labcorp Genetics (formerly Invitae), Labcorp and OMIM); PubMed 26829900 (cited by Labcorp Genetics (formerly Invitae), Labcorp).

NM_002860.4(ALDH18A1):c.413G>A (p.Arg138Gln)

Gene: ALDH18A1 (aldehyde dehydrogenase 18 family member A1; minus strand). Cytogenetic location: 10q24.1.
Variant type: single nucleotide variant.
Coding change: c.413G>A on transcript NM_002860.4 (MANE Select); coding-DNA position 413, G replaced by A.
Protein change: p.Arg138Gln; replaces arginine 138 with glutamine.
Molecular consequence: missense variant. On other transcripts: intron variant (1).
Genome position (GRCh38, 1-based): chr10:95,637,327, C>T on the plus strand (G>A on the coding strand, the complement: ALDH18A1 is on the minus strand). VCF-style: chr10-95637327-C-T. GRCh37 (hg19) VCF-style: chr10-97397084-C-T.
Other names: c.413G>A, p.Arg138Gln (NM_001017423.2, NM_001323413.2, NM_001323414.2 and 2 more transcripts); c.80G>A, p.Arg27Gln (NM_001323412.2, NM_001323416.2, NM_001323418.2); c.-78-3678G>A (NM_001323419.2); short protein forms R138Q, R27Q.
Identifiers: ClinVar variation 217260 (VCV000217260.9), dbSNP rs863225045, ClinGen allele CA279126.